The following is an entry in ClinVar:

ClinVar aggregate classification (germline): Uncertain significance (1 of 4 stars; one submission).

Allele frequency attached by ClinVar (database versions not stated): gnomAD exomes below 0.00001.
gnomAD v4.1: 1 of 1,613,184 alleles (0.000062%); highest among the groups gnomAD compares: South Asian, 0.0011%; no homozygotes.

Submission:

Labcorp Genetics (formerly Invitae), Labcorp
Classification: Uncertain significance. Last evaluated: 2021-12-30. Review status: criteria provided, single submitter. Criteria: Invitae Variant Classification Sherloc (09022015). Collection method: clinical testing. Allele origin: germline.
Comment: This variant is not present in population databases (gnomAD no frequency). In summary, the available evidence is currently insufficient to determine the role of this variant in disease. Therefore, it has been classified as a Variant of Uncertain Significance. Advanced modeling of protein sequence and biophysical properties (such as structural, functional, and spatial information, amino acid conservation, physicochemical variation, residue mobility, and thermodynamic stability) performed at Invitae indicates that this missense variant is not expected to disrupt FAT4 protein function. This variant has not been reported in the literature in individuals affected with FAT4-related conditions. This sequence change replaces isoleucine, which is neutral and non-polar, with threonine, which is neutral and polar, at codon 1733 of the FAT4 protein (p.Ile1733Thr).

NM_001291303.3(FAT4):c.5198T>C (p.Ile1733Thr)

Gene: FAT4 (FAT atypical cadherin 4; plus strand). Cytogenetic location: 4q28.1.
Variant type: single nucleotide variant.
Coding change: c.5198T>C on transcript NM_001291303.3 (MANE Select); coding-DNA position 5198, T replaced by C.
Protein change: p.Ile1733Thr; replaces isoleucine 1733 with threonine.
Molecular consequence: missense variant.
Genome position (GRCh38, 1-based): chr4:125,398,806, T>C. VCF-style: chr4-125398806-T-C. GRCh37 (hg19) VCF-style: chr4-126319961-T-C.
Other names: c.5198T>C, p.Ile1733Thr (NM_001291285.3, NM_024582.6); short protein forms I1733T.
Identifiers: ClinVar variation 2067124 (VCV002067124.4), dbSNP rs2530718787, ClinGen allele CA358118802.